The following is an entry in ClinVar:

NM_001276345.2(TNNT2):c.607C>G (p.Gln203Glu)

Gene: TNNT2 (troponin T2, cardiac type; minus strand). Cytogenetic location: 1q32.1.
Variant type: single nucleotide variant.
Coding change: c.607C>G on transcript NM_001276345.2 (MANE Select); coding-DNA position 607, C replaced by G.
Protein change: p.Gln203Glu; replaces glutamine 203 with glutamic acid.
Molecular consequence: missense variant. On other transcripts: intron variant (6).
Genome position (GRCh38, 1-based): chr1:201,362,388, G>C on the plus strand (C>G on the coding strand, the complement: TNNT2 is on the minus strand). VCF-style: chr1-201362388-G-C. GRCh37 (hg19) VCF-style: chr1-201331516-G-C.
Other names: c.577C>G, p.Gln193Glu (NM_001001430.3, NM_001276347.2, NM_001406724.1); c.559C>G, p.Gln187Glu (NM_001001432.3); c.574C>G, p.Gln192Glu (NM_001406725.1); c.562C>G, p.Gln188Glu (NM_001406728.1); c.571-366C>G (NM_001406727.1, NM_001001431.3, NM_001406726.1); c.481-366C>G (NM_001276346.2); c.601-366C>G (NM_000364.4, NM_001406723.1); short protein forms Q187E, Q188E, Q192E, Q193E, Q203E.
Identifiers: ClinVar variation 3753578 (VCV003753578.2).

ClinVar aggregate classification (germline): Uncertain significance (1 of 4 stars; one submission).

Conditions:
Dilated cardiomyopathy 1D. Identifiers: Orphanet 154, Orphanet 54260, MedGen C1832243, MONDO:0011095, OMIM 601494.
Hypertrophic cardiomyopathy 2. Also called: TNNT2-Related Familial Hypertrophic Cardiomyopathy. Identifiers: MedGen C1861864, MONDO:0007266, OMIM 115195.
Cardiomyopathy, familial restrictive, 3. Identifiers: Orphanet 75249, MedGen C2676271, MONDO:0012900, OMIM 612422.

Submission:

Labcorp Genetics (formerly Invitae), Labcorp
Classification: Uncertain significance for Cardiomyopathy, familial restrictive, 3; Hypertrophic cardiomyopathy 2; Dilated cardiomyopathy 1D. Last evaluated: 2024-08-15. Review status: criteria provided, single submitter. Criteria: Invitae Variant Classification Sherloc (09022015). Collection method: clinical testing. Allele origin: germline.
Comment: This sequence change replaces glutamine, which is neutral and polar, with glutamic acid, which is acidic and polar, at codon 193 of the TNNT2 protein (p.Gln193Glu). This variant is not present in population databases (gnomAD no frequency). This variant has not been reported in the literature in individuals affected with TNNT2-related conditions. Invitae Evidence Modeling of protein sequence and biophysical properties (such as structural, functional, and spatial information, amino acid conservation, physicochemical variation, residue mobility, and thermodynamic stability) has been performed for this missense variant. However, the output from this modeling did not meet the statistical confidence thresholds required to predict the impact of this variant on TNNT2 protein function. In summary, the available evidence is currently insufficient to determine the role of this variant in disease. Therefore, it has been classified as a Variant of Uncertain Significance.